The following is an entry in ClinVar:

NM_183381.3(RNF13):c.298C>T (p.Leu100Phe)

Gene: RNF13 (ring finger protein 13; plus strand). Cytogenetic location: 3q25.1.
Variant type: single nucleotide variant.
Coding change: c.298C>T on transcript NM_183381.3 (MANE Select); coding-DNA position 298, C replaced by T.
Protein change: p.Leu100Phe; replaces leucine 100 with phenylalanine.
Molecular consequence: missense variant. On other transcripts: 5 prime UTR variant (6), non-coding transcript variant (1).
Genome position (GRCh38, 1-based): chr3:149,872,131, C>T. VCF-style: chr3-149872131-C-T. GRCh37 (hg19) VCF-style: chr3-149589918-C-T.
Other names: c.298C>T, p.Leu100Phe (NM_001378285.1, NM_001378286.1, NM_007282.4); c.-70C>T (NM_001378287.1, NM_001378288.1, NM_001378289.1 and 2 more transcripts); c.-96C>T (NM_001378291.1); short protein forms L100F.
Identifiers: ClinVar variation 1510683 (VCV001510683.9), dbSNP rs775761047, ClinGen allele CA2662947.

ClinVar aggregate classification (germline): Conflicting classifications of pathogenicity. Review status: criteria provided, conflicting classifications (1 of 4 stars). 3 submissions from 3 submitters: Uncertain significance (1); Benign (1); Likely benign (1). Last evaluated 2026-06-01.

Allele frequency attached by ClinVar (database versions not stated): ExAC 0.00001; gnomAD 0.00001; gnomAD exomes 0.00001 and 0.00003; TOPMed 0.00004.
gnomAD v4.1: 38 of 1,580,548 alleles (0.0024%); highest among the groups gnomAD compares: Admixed American, 0.0055%; no homozygotes.

Submissions (3):

CeGaT Center for Human Genetics Tuebingen
Classification: Likely benign. Last evaluated: 2026-06-01. Review status: criteria provided, single submitter. Criteria: CeGaT Center For Human Genetics Tuebingen Variant Classification Criteria Version 2. Collection method: clinical testing. Allele origin: germline. Affected: yes. Observed: 1 variant allele.
Comment: RNF13: BP4

Labcorp Genetics (formerly Invitae), Labcorp
Classification: Benign. Last evaluated: 2025-11-25. Review status: criteria provided, single submitter. Criteria: Invitae Variant Classification Sherloc (09022015). Collection method: clinical testing. Allele origin: germline.

Ambry Genetics
Classification: Uncertain significance. Last evaluated: 2023-12-15. Review status: criteria provided, single submitter. Criteria: Ambry Variant Classification Scheme 2023. Collection method: clinical testing. Allele origin: germline.